The following is an entry in ClinVar:

ClinVar aggregate classification (germline): Uncertain significance (1 of 4 stars; one submission).

Submission:

Labcorp Genetics (formerly Invitae), Labcorp
Classification: Uncertain significance. Last evaluated: 2019-06-05. Review status: criteria provided, single submitter. Criteria: Invitae Variant Classification Sherloc (09022015). Collection method: clinical testing. Allele origin: germline.
Comment: This variant results in a copy number gain of the genomic region encompassing the full coding sequence of the PIGL gene. The boundaries of this event are unknown as they extend beyond the assayed region for this gene and therefore may encompass additional genes. As the precise location of this event is unknown, it may be in tandem or it may be located elsewhere in the genome. This variant has not been reported in the literature in individuals with PIGL-related conditions. Experimental studies and prediction algorithms are not available or were not evaluated for this variant, and the functional significance of the affected amino acid(s) is currently unknown. In summary, the available evidence is currently insufficient to determine the role of this variant in disease. Therefore, it has been classified as a Variant of Uncertain Significance.

NC_000017.11:g.(?_16217207)_(16972095_?)dup

Genes: CCDC144A (coiled-coil domain containing 144A; plus strand), CENPV (centromere protein V; minus strand), LRRC75A (leucine rich repeat containing 75A; minus strand), PIGL (phosphatidylinositol glycan anchor biosynthesis class L; plus strand), TNFRSF13B (TNF receptor superfamily member 13B; minus strand) and 4 more. Cytogenetic location: 17p11.2.
Variant type: Duplication.
Identifiers: ClinVar variation 832395 (VCV000832395.2).